The following is an entry in ClinVar:

NM_002291.3(LAMB1):c.4182C>T (p.Ala1394=)

Gene: LAMB1 (laminin subunit beta 1; minus strand). Cytogenetic location: 7q31.1.
Variant type: single nucleotide variant.
Coding change: c.4182C>T on transcript NM_002291.3 (MANE Select); coding-DNA position 4182, C replaced by T.
Protein change: p.Ala1394=; no amino-acid change (alanine 1394 retained).
Molecular consequence: synonymous variant.
Genome position (GRCh38, 1-based): chr7:107,935,421, G>A on the plus strand (C>T on the coding strand, the complement: LAMB1 is on the minus strand). VCF-style: chr7-107935421-G-A. GRCh37 (hg19) VCF-style: chr7-107575866-G-A.
Identifiers: ClinVar variation 380884 (VCV000380884.14), dbSNP rs11545309, ClinGen allele CA4435138.

ClinVar aggregate classification (germline): Benign/Likely benign. Review status: criteria provided, multiple submitters, no conflicts (2 of 4 stars). 5 submissions from 5 submitters: Benign (3); Likely benign (1). 1 of the submissions does not count toward it. Last evaluated 2026-01-31.

Conditions:
LAMB1-related disorder. Also called: LAMB1-related condition.

Allele frequency attached by ClinVar (database versions not stated): 1000 Genomes Project 0.01378; 1000 Genomes Project 30x 0.01530; TOPMed 0.03868; gnomAD exomes 0.03964; ExAC 0.04197; gnomAD 0.04593 and 0.04763; ESP Exome Variant Server 0.05036.
gnomAD v4.1: 90,851 of 1,568,500 alleles (5.8%); highest among the groups gnomAD compares: Non-Finnish European, 7.1%; 3,056 homozygotes.

Submissions (5):

Labcorp Genetics (formerly Invitae), Labcorp
Classification: Benign. Last evaluated: 2026-01-31. Review status: criteria provided, single submitter. Criteria: Invitae Variant Classification Sherloc (09022015). Collection method: clinical testing. Allele origin: germline.

Blueprint Genetics
Classification: Likely benign. Last evaluated: 2024-11-27. Review status: criteria provided, single submitter. Criteria: ACMG Guidelines, 2015. Collection method: clinical testing. Allele origin: germline.

GeneDx
Classification: Benign. Last evaluated: 2016-02-11. Review status: criteria provided, single submitter. Criteria: GeneDx Variant Classification (06012015). Collection method: clinical testing. Allele origin: germline. Affected: yes.
Comment: This variant is considered likely benign or benign based on one or more of the following criteria: it is a conservative change, it occurs at a poorly conserved position in the protein, it is predicted to be benign by multiple in silico algorithms, and/or has population frequency not consistent with disease.

Breakthrough Genomics
Classification: Benign. Review status: criteria provided, single submitter. Criteria: ACMG Guidelines, 2015. Collection method: not provided. Allele origin: germline. Inheritance: Autosomal recessive inheritance. Affected: yes.

PreventionGenetics, part of Exact Sciences
Classification: Benign for LAMB1-related condition. Last evaluated: 2019-07-30. Review status: no assertion criteria provided. Collection method: clinical testing. Allele origin: germline. Not counted in ClinVar's aggregate classification.
Comment: This variant is classified as benign based on ACMG/AMP sequence variant interpretation guidelines (Richards et al. 2015 PMID: 25741868, with internal and published modifications).